The following is an entry in ClinVar:

ClinVar aggregate classification (germline): Uncertain significance (1 of 4 stars; one submission).

Conditions:
Holoprosencephaly 5 (HPE5). Identifiers: Orphanet 2162, MedGen C1864827, MONDO:0012322, OMIM 609637.

Submission:

Labcorp Genetics (formerly Invitae), Labcorp
Classification: Uncertain significance for Holoprosencephaly 5. Last evaluated: 2025-11-23. Review status: criteria provided, single submitter. Criteria: Invitae Variant Classification Sherloc (09022015). Collection method: clinical testing. Allele origin: germline.
Comment: This sequence change replaces glycine, which is neutral and non-polar, with aspartic acid, which is acidic and polar, at codon 508 of the ZIC2 protein (p.Gly508Asp). This variant is not present in population databases (gnomAD no frequency). This variant has not been reported in the literature in individuals affected with ZIC2-related conditions. Experimental studies and prediction algorithms are not available or were not evaluated, and the functional significance of this variant is currently unknown. In summary, the available evidence is currently insufficient to determine the role of this variant in disease. Therefore, it has been classified as a Variant of Uncertain Significance.

NM_007129.5(ZIC2):c.1523G>A (p.Gly508Asp)

Gene: ZIC2 (Zic family zinc finger 2; plus strand). Cytogenetic location: 13q32.3.
Variant type: single nucleotide variant.
Coding change: c.1523G>A on transcript NM_007129.5 (MANE Select); coding-DNA position 1523, G replaced by A.
Protein change: p.Gly508Asp; replaces glycine 508 with aspartic acid.
Molecular consequence: missense variant.
Genome position (GRCh38, 1-based): chr13:99,985,606, G>A. VCF-style: chr13-99985606-G-A. GRCh37 (hg19) VCF-style: chr13-100637860-G-A.
Other names: short protein forms G508D.
Identifiers: ClinVar variation 4731752 (VCV004731752.1).